The following is an entry in ClinVar:

NM_172107.4(KCNQ2):c.1111A>G (p.Met371Val)

Gene: KCNQ2 (potassium voltage-gated channel subfamily Q member 2; minus strand). Cytogenetic location: 20q13.33.
Variant type: single nucleotide variant.
Coding change: c.1111A>G on transcript NM_172107.4 (MANE Select); coding-DNA position 1111, A replaced by G.
Protein change: p.Met371Val; replaces methionine 371 with valine.
Molecular consequence: missense variant.
Genome position (GRCh38, 1-based): chr20:63,433,816, T>C on the plus strand (A>G on the coding strand, the complement: KCNQ2 is on the minus strand). VCF-style: chr20-63433816-T-C. GRCh37 (hg19) VCF-style: chr20-62065169-T-C.
Other names: c.1111A>G, p.Met371Val (NM_001382235.1, NM_004518.6, NM_172106.3 and 2 more transcripts); short protein forms M371V.
Identifiers: ClinVar variation 1373841 (VCV001373841.11), dbSNP rs1038643289, ClinGen allele CA317452082.

ClinVar aggregate classification (germline): Uncertain significance. Review status: criteria provided, multiple submitters, no conflicts (2 of 4 stars). 2 submissions from 2 submitters: Uncertain significance (2). Last evaluated 2023-08-24.

Conditions:
Developmental and epileptic encephalopathy, 7 (DEE7). Also called: KCNQ2-Related Neonatal Epileptic Encephalopathy; KCNQ2-Related Neonatal-Onset Developmental and Epileptic Encephalopathy (NEO-DEE); Early infantile epileptic encephalopathy 7. Identifiers: Orphanet 439218, MedGen C3150986, MONDO:0013387, OMIM 613720.
Early-infantile DEE. Also called: Early infantile epileptic encephalopathy; Ohtahara syndrome; Early infantile epileptic encephalopathy with suppression bursts. Identifiers: Orphanet 1934, MedGen C0393706, MONDO:0800491.

Allele frequency attached by ClinVar (database versions not stated): gnomAD exomes below 0.00001; gnomAD 0.00001.
gnomAD v4.1: 2 of 1,613,864 alleles (0.00012%); highest among the groups gnomAD compares: Non-Finnish European, 0.00017%; no homozygotes.

Submissions (2):

Labcorp Genetics (formerly Invitae), Labcorp
Classification: Uncertain significance for Early-infantile DEE. Last evaluated: 2023-08-24. Review status: criteria provided, single submitter. Criteria: Invitae Variant Classification Sherloc (09022015). Collection method: clinical testing. Allele origin: germline.
Comment: This sequence change replaces methionine, which is neutral and non-polar, with valine, which is neutral and non-polar, at codon 371 of the KCNQ2 protein (p.Met371Val). This variant is not present in population databases (gnomAD no frequency). This variant has not been reported in the literature in individuals affected with KCNQ2-related conditions. ClinVar contains an entry for this variant (Variation ID: 1373841). Advanced modeling of protein sequence and biophysical properties (such as structural, functional, and spatial information, amino acid conservation, physicochemical variation, residue mobility, and thermodynamic stability) performed at Invitae indicates that this missense variant is expected to disrupt KCNQ2 protein function. In summary, the available evidence is currently insufficient to determine the role of this variant in disease. Therefore, it has been classified as a Variant of Uncertain Significance.

3billion
Classification: Uncertain significance for Developmental and epileptic encephalopathy, 7. Last evaluated: 2022-09-01. Review status: criteria provided, single submitter. Criteria: ACMG Guidelines, 2015. Collection method: clinical testing. Allele origin: germline. Affected: yes. Observed: 1 heterozygote.
Comment: The variant is not observed in the gnomAD v2.1.1 dataset. Missense changes are a common disease-causing mechanism. In silico tool predictions suggest damaging effect of the variant on gene or gene product. However, the evidence of pathogenicity is insufficient at this time. Therefore, this variant is classified as uncertain significance according to the recommendation of ACMG/AMP guideline.